The following is an entry in ClinVar:

NM_001164508.2(NEB):c.3260A>G (p.Gln1087Arg)

Gene: NEB (nebulin; minus strand). Cytogenetic location: 2q23.3.
Variant type: single nucleotide variant.
Coding change: c.3260A>G on transcript NM_001164508.2 (MANE Select); coding-DNA position 3260, A replaced by G.
Protein change: p.Gln1087Arg; replaces glutamine 1087 with arginine.
Molecular consequence: missense variant.
Genome position (GRCh38, 1-based): chr2:151,678,183, T>C on the plus strand (A>G on the coding strand, the complement: NEB is on the minus strand). VCF-style: chr2-151678183-T-C. GRCh37 (hg19) VCF-style: chr2-152534697-T-C.
Other names: c.3260A>G, p.Gln1087Arg (NM_001164507.2, NM_001271208.2, NM_004543.5); short protein forms Q1087R.
Identifiers: ClinVar variation 1313284 (VCV001313284.6), dbSNP rs753378097, ClinGen allele CA1910939.

ClinVar aggregate classification (germline): Conflicting classifications of pathogenicity. Review status: criteria provided, conflicting classifications (1 of 4 stars). 2 submissions from 2 submitters: Uncertain significance (1); Likely benign (1). Last evaluated 2025-11-19.

Conditions:
Nemaline myopathy 2 (NEM2). Also called: Nemaline myopathy 2, autosomal recessive. Identifiers: MedGen C1850569, MONDO:0009725, OMIM 256030.

Allele frequency attached by ClinVar (database versions not stated): gnomAD 0.00001; gnomAD exomes 0.00001 and 0.00003; TOPMed 0.00001; ExAC 0.00005.
gnomAD v4.1: 11 of 1,583,140 alleles (0.00069%); highest among the groups gnomAD compares: Admixed American, 0.019%; no homozygotes.

Submissions (2):

Labcorp Genetics (formerly Invitae), Labcorp
Classification: Likely benign for Nemaline myopathy 2. Last evaluated: 2025-11-19. Review status: criteria provided, single submitter. Criteria: Invitae Variant Classification Sherloc (09022015). Collection method: clinical testing. Allele origin: germline.

GeneDx
Classification: Uncertain significance. Last evaluated: 2020-10-15. Review status: criteria provided, single submitter. Criteria: GeneDx Variant Classification Process June 2021. Collection method: clinical testing. Allele origin: germline. Affected: yes.
Comment: In silico analysis supports that this missense variant does not alter protein structure/function; Has not been previously published as pathogenic or benign to our knowledge